The following is an entry in ClinVar:

NM_153676.4(USH1C):c.1823C>G (p.Pro608Arg)

Gene: USH1C (USH1 protein network component harmonin; minus strand). Cytogenetic location: 11p15.1.
Variant type: single nucleotide variant.
Coding change: c.1823C>G on transcript NM_153676.4 (MANE Select); coding-DNA position 1823, C replaced by G.
Protein change: p.Pro608Arg; replaces proline 608 with arginine.
Molecular consequence: missense variant. On other transcripts: intron variant (2).
Genome position (GRCh38, 1-based): chr11:17,509,546, G>C on the plus strand (C>G on the coding strand, the complement: USH1C is on the minus strand). VCF-style: chr11-17509546-G-C. GRCh37 (hg19) VCF-style: chr11-17531093-G-C.
Other names: R608P; c.1228-7566C>G (NM_001297764.2); c.1285-7566C>G (NM_005709.4); short protein forms P608R.
Identifiers: ClinVar variation 5148 (VCV000005148.30), dbSNP rs41282932, ClinGen allele CA142309.

ClinVar aggregate classification (germline): Conflicting classifications of pathogenicity. Review status: criteria provided, conflicting classifications (1 of 4 stars). 12 submissions from 11 submitters: Uncertain significance (7); Likely benign (3). 2 of the submissions do not count toward it. Last evaluated 2025-07-24.

Conditions:
Optic atrophy. Identifiers: MedGen C0029124, MONDO:0003608, HP:0000648.
Meniere disease. Also called: Ménière's disease. Identifiers: MedGen C0025281, MONDO:0007972, OMIM 156000.
Usher syndrome type 1 (USH1). Also called: RETINITIS PIGMENTOSA AND CONGENITAL DEAFNESS. Identifiers: Orphanet 231169, Orphanet 886, MedGen C1568247, MONDO:0010168, OMIM 276900.
Autosomal recessive nonsyndromic hearing loss 18A. Also called: DEAFNESS, AUTOSOMAL RECESSIVE 18; Deafness, autosomal recessive 18A. Identifiers: Orphanet 90636, MedGen C1865870, MONDO:0011192, OMIM 602092.
Usher syndrome type 1C. Also called: USHER SYNDROME, TYPE I, ACADIAN VARIETY. Identifiers: Orphanet 231169, Orphanet 886, MedGen C1848604, MONDO:0010171, OMIM 276904.
Retinal dystrophy. Also called: Inherited retinal dystrophy. Identifiers: Orphanet 71862, MedGen C0854723, MeSH D058499, MONDO:0019118, HP:0000556.

Allele frequency attached by ClinVar (database versions not stated): TOPMed 0.00068.
gnomAD v4.1: 1,109 of 1,602,700 alleles (0.069%); highest among the groups gnomAD compares: Non-Finnish European, 0.086%; 1 homozygote.

Submissions (12):

GeneDx
Classification: Uncertain significance. Last evaluated: 2025-07-24. Review status: criteria provided, single submitter. Criteria: GeneDx Variant Classification Process June 2021. Collection method: clinical testing. Allele origin: germline. Affected: yes.
Comment: Observed as a heterozygous variant in patients with hearing loss who harbored variants in other hearing loss-related genes (PMID: 16963483, 24875298, 29739340, 34391192); In silico analysis suggests that this missense variant does not alter protein structure/function; Reported using an alternate transcript of the gene; This variant is associated with the following publications: (PMID: 34391192, 24875298, 29739340, 30245029, 34426522, 12136232, 16963483)

Blueprint Genetics
Classification: Likely benign. Last evaluated: 2024-11-15. Review status: criteria provided, single submitter. Criteria: ACMG Guidelines, 2015. Collection method: clinical testing. Allele origin: germline.

Labcorp Genetics (formerly Invitae), Labcorp
Classification: Likely benign. Last evaluated: 2023-10-11. Review status: criteria provided, single submitter. Criteria: Invitae Variant Classification Sherloc (09022015). Collection method: clinical testing. Allele origin: germline.

Department of Pathology and Laboratory Medicine, Sinai Health System
Classification: Uncertain significance for Usher syndrome type 1; Usher syndrome type 1C; Autosomal recessive nonsyndromic hearing loss 18A. Last evaluated: 2022-02-15. Review status: criteria provided, single submitter. Criteria: ACMG Guidelines, 2015. Collection method: research. Allele origin: germline.

Institute of Human Genetics, Univ. Regensburg, Univ. Regensburg
Classification: Uncertain significance for Optic atrophy. Last evaluated: 2022-01-01. Review status: criteria provided, single submitter. Criteria: ACMG Guidelines, 2015. Collection method: clinical testing. Allele origin: germline. Affected: yes.

Institute of Human Genetics, Univ. Regensburg, Univ. Regensburg
Classification: Uncertain significance for Retinal dystrophy. Last evaluated: 2022-01-01. Review status: criteria provided, single submitter. Criteria: ACMG Guidelines, 2015. Collection method: clinical testing. Allele origin: germline. Affected: yes.

Myriad Genetics, Inc.
Classification: Uncertain significance for Usher syndrome type 1C. Last evaluated: 2021-10-08. Review status: criteria provided, single submitter. Criteria: Myriad Women's Health Autosomal Recessive and X-Linked Classification Criteria (2021). Collection method: clinical testing. Allele origin: unknown.
Comment: NM_005709.3(USH1C):c.1285-7566C>G is an intronic variant classified as a variant of uncertain significance in the context of USH1C-related disorders. c.1285-7566C>G has been observed in cases with relevant disease (PMID: 12136232, 29739340, 16963483, 24875298). Functional assessments of this variant are not available in the literature. c.1285-7566C>G has been observed in population frequency databases (gnomAD: NFE 0.08%). In summary, there is insufficient evidence to classify NM_005709.3(USH1C):c.1285-7566C>G as pathogenic or benign. Please note: this variant was assessed in the context of healthy population screening.

Otology & Neurotology- Genomics of vestibular disorders (CTS-495), Jose Antonio López Escámez, Centro Pfizer - Universidad de Granada - Junta de Andalucía de Genómica e Investigación Oncológica (GENYO)
Classification: Uncertain significance for Meniere disease. Last evaluated: 2021-06-21. Review status: criteria provided, single submitter. Criteria: ACMG Guidelines, 2015. Collection method: case-control. Allele origin: inherited. Affected: yes.
Comment: Digenic inheritance along with NM_000260.4:c.6247G>A(MYO7A)

ARUP Laboratories, Molecular Genetics and Genomics, ARUP Laboratories
Classification: Uncertain significance. Last evaluated: 2018-05-25. Review status: criteria provided, single submitter. Criteria: ARUP Molecular Germline Variant Investigation Process. Collection method: clinical testing. Allele origin: germline.
Comment: The p.Pro608Arg variant (rs41282932) has been identified in a homozygous state in a single induvial with non-syndromic hearing loss (Ouyang 2002). However it has been identified in several other cases with an alternate molecular basis for hearing loss, suggesting that it is not a causative variant (Cremers 2007, and Vona 2014). The p.Pro608Arg variant has also been reported to ClinVar (Variation ID: 5148). This variant is listed in the NHLBI GO Exome Sequencing Project with an overall population frequency of 0.06 percent (identified on 8 out of 12,984 chromosomes) and is listed in the Genome Aggregation Database (gnomAD) with an overall population frequency of 0.05 percent (identified on 124 out of 267,276 chromosomes). The proline at position 608 is weakly conserved (considering 12 species) (Alamut v.2.8.1) and computational analyses of the effects of the p.Pro608Arg variant on protein structure and function provide conflicting results (SIFT: tolerated, MutationTaster: disease causing, PolyPhen-2: possibly damaging). Altogether, there is not enough evidence to classify the p.Pro608Arg variant with certainty.

Laboratory for Molecular Medicine, Mass General Brigham Personalized Medicine
Classification: Likely benign. Last evaluated: 2015-02-06. Review status: criteria provided, single submitter. Criteria: LMM Criteria. Collection method: clinical testing. Allele origin: germline. Observed: 3 variant alleles.
Comment: p.Pro608Arg in exon 18 of USH1C: This variant has been previously reported in 3 individuals with Usher syndrome or hearing loss and 2 individuals by our laborat ory; 3 of whom have another genetic etiology to explain their hearing loss (Crem ers 2007, Vera 2014, LMM unpublished data). This variant has also been identifie d in 0.1% (51/60306) of European chromosomes by the Exome Aggregation Consortium (ExAC; dbSNP rs41282932). In summary, the prese nce of this variant in 3 individuals with another etiology for hearing loss and its frequency in the general population suggest that it is likely benign.

Natera, Inc.
Classification: Uncertain significance for Usher syndrome type 1C. Last evaluated: 2020-04-11. Review status: no assertion criteria provided. Collection method: clinical testing. Allele origin: germline. Not counted in ClinVar's aggregate classification.

OMIM
Classification: Pathogenic for DEAFNESS, AUTOSOMAL RECESSIVE 18A. Last evaluated: 2002-07-01. Review status: no assertion criteria provided. Collection method: literature only. Allele origin: germline. Not counted in ClinVar's aggregate classification.

Literature cited by the submitters: PubMed 12136232 (cited by 4 submitters); PubMed 30245029 (cited by Institute of Human Genetics, Univ. Regensburg, Univ. Regensburg); PubMed 29739340 (cited by Institute of Human Genetics, Univ. Regensburg, Univ. Regensburg and Myriad Genetics, Inc.); PubMed 34426522 (cited by Institute of Human Genetics, Univ. Regensburg, Univ. Regensburg); PubMed 34391192 (cited by Institute of Human Genetics, Univ. Regensburg, Univ. Regensburg); PubMed 24875298 (cited by Myriad Genetics, Inc. and Laboratory for Molecular Medicine, Mass General Brigham Personalized Medicine); PubMed 16963483 (cited by Myriad Genetics, Inc. and Laboratory for Molecular Medicine, Mass General Brigham Personalized Medicine).